The following is an entry in ClinVar:

NM_001360016.2(G6PD):c.1387C>A (p.Arg463Ser)

Gene: G6PD (glucose-6-phosphate dehydrogenase; minus strand). Cytogenetic location: Xq28.
Variant type: single nucleotide variant.
Coding change: c.1387C>A on transcript NM_001360016.2 (MANE Select); coding-DNA position 1387, C replaced by A.
Protein change: p.Arg463Ser; replaces arginine 463 with serine.
Molecular consequence: missense variant.
Genome position (GRCh38, 1-based): chrX:154,532,258, G>T on the plus strand (C>A on the coding strand, the complement: G6PD is on the minus strand). VCF-style: chrX-154532258-G-T. GRCh37 (hg19) VCF-style: chrX-153760473-G-T.
Other names: G6PD Flores; c.1477C>A, p.Arg493Ser (NM_000402.4); c.1387C>A, p.Arg463Ser (NM_001042351.3); short protein forms R463S, R493S.
Identifiers: ClinVar variation 1722637 (VCV001722637.3), dbSNP rs1557229502, ClinGen allele CA415232605.

ClinVar aggregate classification (germline): Likely pathogenic. Review status: criteria provided, multiple submitters, no conflicts (2 of 4 stars). 2 submissions from 2 submitters: Likely pathogenic (2). Last evaluated 2025-03-10.

Conditions:
G6PD deficiency. Also called: G6PD A-. Identifiers: MedGen C2939465, MONDO:0005775.
Anemia, nonspherocytic hemolytic, due to G6PD deficiency (CNSHA1). Also called: Hemolytic anemia due to G6PD deficiency; Class I glucose-6-phosphate dehydrogenase deficiency; Favism, susceptibility to; ANEMIA, CONGENITAL, NONSPHEROCYTIC HEMOLYTIC, 1. Identifiers: Orphanet 466026, MedGen C2720289, MONDO:0010480, OMIM 300908.

Submissions (2):

Women's Health and Genetics/Laboratory Corporation of America, LabCorp
Classification: Likely pathogenic for G6PD deficiency. Last evaluated: 2025-03-10. Review status: criteria provided, single submitter. Criteria: LabCorp Variant Classification Summary - May 2015. Collection method: clinical testing. Allele origin: germline.
Comment: Variant summary: G6PD c.1477C>A (p.Arg493Ser), also known as c.1387C>A (p.Arg463Ser) in another transcript and G6PD Flores in the literature, results in a non-conservative amino acid change in the encoded protein sequence. Five of five in-silico tools predict a damaging effect of the variant on protein function. The variant was absent in 182262 control chromosomes (gnomAD). c.1477C>A has been reported in the literature in at least one hemizygous individual affected with Glucose 6 Phosphate Dehydrogenase Deficiency (Rodrigues_2002). This publication also reports experimental evidence evaluating an impact on protein function. The most pronounced variant effect results in 10%-<30% of normal activity. Other missense changes affecting this residue have been determined to be pathogenic, supporting the clinical relevance of this amino acid to G6PD function. The following publication has been ascertained in the context of this evaluation (PMID: 12064920). ClinVar contains an entry for this variant (Variation ID: 1722637). Based on the evidence outlined above, the variant was classified as likely pathogenic.

Dunham Lab, University of Washington
Classification: Likely pathogenic for Anemia, nonspherocytic hemolytic, due to G6PD deficiency. Last evaluated: 2022-08-12. Review status: criteria provided, single submitter. Criteria: Bayesian ACMG Guidelines, 2018. Collection method: curation. Allele origin: unknown. Affected: yes.
Comment: Decreased actvity in red blood cells (13%) (PS3). Not found in gnomAD (PM2). Not found in gnomAD (PM2). Post_P 0.949 (odds of pathogenicity 168.4, Prior_P 0.1).

Literature cited by the submitters: PubMed 12064920 (cited by Women's Health and Genetics/Laboratory Corporation of America, LabCorp and Dunham Lab, University of Washington); PubMed 15065213 (cited by Dunham Lab, University of Washington).